The following is an entry in ClinVar:

ClinVar aggregate classification (germline): Uncertain significance (1 of 4 stars; one submission).

Submission:

Labcorp Genetics (formerly Invitae), Labcorp
Classification: Uncertain significance. Last evaluated: 2023-05-20. Review status: criteria provided, single submitter. Criteria: Invitae Variant Classification Sherloc (09022015). Collection method: clinical testing. Allele origin: germline.
Comment: This sequence change replaces asparagine, which is neutral and polar, with threonine, which is neutral and polar, at codon 30 of the PALM protein (p.Asn30Thr). In summary, the available evidence is currently insufficient to determine the role of this variant in disease. Therefore, it has been classified as a Variant of Uncertain Significance. Algorithms developed to predict the effect of missense changes on protein structure and function output the following: SIFT: "Not Available"; PolyPhen-2: "Benign"; Align-GVGD: "Not Available". The threonine amino acid residue is found in multiple mammalian species, which suggests that this missense change does not adversely affect protein function. This variant has not been reported in the literature in individuals affected with PALM-related conditions. This variant is not present in population databases (gnomAD no frequency).

NM_002579.3(PALM):c.89A>C (p.Asn30Thr)

Gene: PALM (paralemmin; plus strand). Cytogenetic location: 19p13.3.
Variant type: single nucleotide variant.
Coding change: c.89A>C on transcript NM_002579.3 (MANE Select); coding-DNA position 89, A replaced by C.
Protein change: p.Asn30Thr; replaces asparagine 30 with threonine.
Molecular consequence: missense variant.
Genome position (GRCh38, 1-based): chr19:727,039, A>C. VCF-style: chr19-727039-A-C. GRCh37 (hg19) VCF-style: chr19-727039-A-C.
Other names: c.89A>C, p.Asn30Thr (NM_001040134.2); short protein forms N30T.
Identifiers: ClinVar variation 2866366 (VCV002866366.3), dbSNP rs2512153823, ClinGen allele CA402878381.